The following is an entry in ClinVar:

NM_001289808.2(CRYAB):c.201+2_201+3dup

Gene: CRYAB (crystallin alpha B; minus strand). Cytogenetic location: 11q23.1.
Variant type: Duplication.
Coding change: c.201+2_201+3dup on transcript NM_001289808.2 (MANE Select); the canonical splice donor site of the intron after coding-DNA position 201 through 3 bases into the intron after coding-DNA position 201, 2 bases duplicated (TG; older notation c.201+2_201+3dupTG).
Molecular consequence: splice donor variant.
Genome position (GRCh38, 1-based): chr11:111,911,521-111,911,522, CA duplicated on the plus strand (TG on the coding strand, the reverse complement: CRYAB is on the minus strand); duplicating any 2 consecutive bases within chr11:111,911,521-111,911,523 gives the same sequence; the c. name uses the placement nearest the transcript's 3' end. VCF-style (leftmost placement, unchanged base first): chr11-111911520-T-TCA. GRCh37 (hg19) VCF-style: chr11-111782244-T-TCA.
Other names: c.201+2_201+3dup (NM_001368245.1, NM_001885.3, NM_001289807.1).
Identifiers: ClinVar variation 2811639 (VCV002811639.3), dbSNP rs2497884299, ClinGen allele CA2739271007.

ClinVar aggregate classification (germline): Uncertain significance (1 of 4 stars; one submission).

Conditions:
Dilated cardiomyopathy 1II (CMD1II). Identifiers: Orphanet 154, MedGen C3554649, MONDO:0014073, OMIM 615184.

Submission:

Labcorp Genetics (formerly Invitae), Labcorp
Classification: Uncertain significance for Dilated cardiomyopathy 1II. Last evaluated: 2023-08-22. Review status: criteria provided, single submitter. Criteria: Invitae Variant Classification Sherloc (09022015). Collection method: clinical testing. Allele origin: germline.
Comment: Variants that disrupt the consensus splice site are a relatively common cause of aberrant splicing (PMID: 17576681, 9536098). Algorithms developed to predict the effect of sequence changes on RNA splicing suggest that this variant may disrupt the consensus splice site. In summary, the available evidence is currently insufficient to determine the role of this variant in disease. Therefore, it has been classified as a Variant of Uncertain Significance. This variant has not been reported in the literature in individuals affected with CRYAB-related conditions. This variant is not present in population databases (gnomAD no frequency). This sequence change falls in intron 2 of the CRYAB gene. It does not directly change the encoded amino acid sequence of the CRYAB protein. It affects a nucleotide within the consensus splice site.

Literature cited by the submitters: PubMed 17576681; PubMed 9536098.